The following is an entry in ClinVar:

ClinVar aggregate classification (germline): Uncertain significance (1 of 4 stars; one submission).

Submission:

Labcorp Genetics (formerly Invitae), Labcorp
Classification: Uncertain significance. Last evaluated: 2025-08-18. Review status: criteria provided, single submitter. Criteria: Invitae Variant Classification Sherloc (09022015). Collection method: clinical testing. Allele origin: germline.
Comment: This sequence change replaces leucine, which is neutral and non-polar, with valine, which is neutral and non-polar, at codon 260 of the TBX6 protein (p.Leu260Val). This variant is not present in population databases (gnomAD no frequency). This variant has not been reported in the literature in individuals affected with TBX6-related conditions. ClinVar contains an entry for this variant (Variation ID: 2840642). Invitae Evidence Modeling of protein sequence and biophysical properties (such as structural, functional, and spatial information, amino acid conservation, physicochemical variation, residue mobility, and thermodynamic stability) indicates that this missense variant is expected to disrupt TBX6 protein function with a positive predictive value of 80%. In summary, the available evidence is currently insufficient to determine the role of this variant in disease. Therefore, it has been classified as a Variant of Uncertain Significance.

NM_004608.4(TBX6):c.778C>G (p.Leu260Val)

Gene: TBX6 (T-box transcription factor 6; minus strand). Cytogenetic location: 16p11.2.
Variant type: single nucleotide variant.
Coding change: c.778C>G on transcript NM_004608.4 (MANE Select); coding-DNA position 778, C replaced by G.
Protein change: p.Leu260Val; replaces leucine 260 with valine.
Molecular consequence: missense variant.
Genome position (GRCh38, 1-based): chr16:30,088,606, G>C on the plus strand (C>G on the coding strand, the complement: TBX6 is on the minus strand). VCF-style: chr16-30088606-G-C. GRCh37 (hg19) VCF-style: chr16-30099927-G-C.
Other names: short protein forms L260V.
Identifiers: ClinVar variation 2840642 (VCV002840642.3), dbSNP rs2543664714, ClinGen allele CA395517685.
Genomic context (GRCh38, chr16:30,088,606, plus strand): 5'-TCTTACAGTTTCTGCCGTTCTCCCGGAAGCCTTTGGCAAAGGGATTGGCTGCAATCTTCA[G>C]TTGTGTGATCTGGGGACACACATGCAGGGTCAAAGCAACTGCGGTCTGGGCAGGGGGCCA-3'
Protein context (NP_004599.2, residues 250-270): TAYQNPQITQ[Leu260Val]KIAANPFAKG